The following is an entry in ClinVar:

ClinVar aggregate classification (germline): Uncertain significance (1 of 4 stars; one submission).

Conditions:
Charcot-Marie-Tooth disease. Also called: Charcot-Marie-Tooth Hereditary Neuropathy; Charcot-Marie-Tooth Neuropathy. Identifiers: Orphanet 166, MedGen C0007959, MONDO:0015626.

Allele frequency attached by ClinVar (database versions not stated): gnomAD exomes below 0.00001.
gnomAD v4.1: 2 of 1,614,196 alleles (0.00012%); highest among the groups gnomAD compares: Non-Finnish European, 0.00017%; no homozygotes.

Submission:

Molecular Genetics Laboratory, London Health Sciences Centre
Classification: Uncertain significance for Charcot-Marie-Tooth disease. Last evaluated: 2024-10-02. Review status: criteria provided, single submitter. Criteria: ACMG Guidelines, 2015. Collection method: clinical testing. Allele origin: germline. Inheritance: Autosomal recessive inheritance. Affected: yes.
Comment: Lack of disease-gene association; limited evidence for loss of function variants

NM_030973.4(MED25):c.135-1G>A

Gene: MED25 (mediator complex subunit 25; plus strand). Cytogenetic location: 19q13.33.
Variant type: single nucleotide variant.
Coding change: c.135-1G>A on transcript NM_030973.4 (MANE Select); the canonical splice acceptor site of the intron before coding-DNA position 135, G replaced by A.
Molecular consequence: splice acceptor variant.
Genome position (GRCh38, 1-based): chr19:49,818,570, G>A. VCF-style: chr19-49818570-G-A. GRCh37 (hg19) VCF-style: chr19-50321827-G-A.
Other names: c.135-1G>A (NM_001378355.1).
Identifiers: ClinVar variation 917360 (VCV000917360.2), dbSNP rs2073955922, ClinGen allele CA406908775.
Genomic context (GRCh38, chr19:49,818,570, plus strand): 5'-CCCACTTCAGTTTCGCACAGTTTCTTGCCTGACTCCGACCTTTCACTTCCTACCCTCACA[G>A]GTATTTTAATGGTGGTCCTCCTGCTGAGACGGACTTCGGGGGAGACGTGAGTCTAGGGAC-3'